The following is an entry in ClinVar:

NM_018406.7(MUC4):c.12078C>T (p.Ser4026=)

Genes: MUC4 (mucin 4, cell surface associated), LOC126806930 (BRD4-independent group 4 enhancer GRCh37_chr3:195505212-195506411). Cytogenetic location: 3q29.
Variant type: single nucleotide variant.
Coding change: c.12078C>T on transcript NM_018406.7 (MANE Select); coding-DNA position 12078, C replaced by T.
Protein change: p.Ser4026=; no amino-acid change (serine 4026 retained).
Molecular consequence: synonymous variant. On other transcripts: no sequence alteration (1), genic upstream transcript variant (2).
Genome position (GRCh38, 1-based): chr3:195,779,502, G>A on the plus strand (C>T on the coding strand, the complement: MUC4 is on the minus strand). VCF-style: chr3-195779502-G-A. GRCh37 (hg19) VCF-style: chr3-195506373-G-A.
Other names: c.17376=, p.Ser5792= (NM_001322468.1); c.83-5197C>T (NM_138297.5); c.83-1047C>T (NM_004532.6).
Identifiers: ClinVar variation 2654389 (VCV002654389.24), dbSNP rs1195957434, ClinGen allele CA2769030.

ClinVar aggregate classification (germline): Likely benign (1 of 4 stars; one submission).

Allele frequency attached by ClinVar (database versions not stated): gnomAD exomes 0.00009; gnomAD 0.00033; ExAC 0.00158.
gnomAD v4.1: 143 of 1,247,840 alleles (0.011%); highest among the groups gnomAD compares: African/African-American, 0.15%; 35 homozygotes.

Submission:

CeGaT Center for Human Genetics Tuebingen
Classification: Likely benign. Last evaluated: 2023-04-01. Review status: criteria provided, single submitter. Criteria: CeGaT Center For Human Genetics Tuebingen Variant Classification Criteria Version 2. Collection method: clinical testing. Allele origin: germline. Affected: yes. Observed: 1 variant allele.
Comment: MUC4: BP4, BS2